The following is an entry in ClinVar:

NM_020778.5(ALPK3):c.607G>T (p.Glu203Ter)

Gene: ALPK3 (alpha kinase 3; plus strand). Cytogenetic location: 15q25.3.
Variant type: single nucleotide variant.
Coding change: c.607G>T on transcript NM_020778.5 (MANE Select); coding-DNA position 607, G replaced by T.
Protein change: p.Glu203Ter; replaces glutamic acid 203 with a stop codon.
Molecular consequence: nonsense.
Genome position (GRCh38, 1-based): chr15:84,839,886, G>T. VCF-style: chr15-84839886-G-T. GRCh37 (hg19) VCF-style: chr15-85383117-G-T.
Other names: short protein forms E203*.
Identifiers: ClinVar variation 1996534 (VCV001996534.5), dbSNP rs765142581, ClinGen allele CA393373076.

ClinVar aggregate classification (germline): Pathogenic. Review status: criteria provided, multiple submitters, no conflicts (2 of 4 stars). 2 submissions from 2 submitters: Pathogenic (2). Last evaluated 2025-02-10.

Conditions:
Cardiomyopathy, familial hypertrophic 27. Identifiers: MedGen C4748014, MONDO:0054838, OMIM 618052.

Submissions (2):

3billion
Classification: Pathogenic for Cardiomyopathy, familial hypertrophic 27. Last evaluated: 2025-02-10. Review status: criteria provided, single submitter. Criteria: ACMG Guidelines, 2015. Collection method: clinical testing. Allele origin: germline. Affected: yes.
Comment: The variant is not observed in the gnomAD v4.1.0 dataset. Predicted Consequence/Location: Stop-gained (nonsense): predicted to result in a loss or disruption of normal protein function through nonsense-mediated decay (NMD) or protein truncation. Multiple pathogenic variants are reported downstream of the variant. The variant has been reported to be associated with ALPK3-related disorder (ClinVar ID: VCV001996534 /PMID: 34263907). Therefore, this variant is classified as Pathogenic according to the recommendation of ACMG/AMP guideline.

Labcorp Genetics (formerly Invitae), Labcorp
Classification: Pathogenic. Last evaluated: 2022-08-28. Review status: criteria provided, single submitter. Criteria: Invitae Variant Classification Sherloc (09022015). Collection method: clinical testing. Allele origin: germline.
Comment: This sequence change creates a premature translational stop signal (p.Glu405*) in the ALPK3 gene. It is expected to result in an absent or disrupted protein product. Loss-of-function variants in ALPK3 are known to be pathogenic (PMID: 21441111, 26846950, 27106955, 34263907). This variant is not present in population databases (gnomAD no frequency). This variant has not been reported in the literature in individuals affected with ALPK3-related conditions. For these reasons, this variant has been classified as Pathogenic.

Literature cited by the submitters: PubMed 34263907 (cited by 3billion and Labcorp Genetics (formerly Invitae), Labcorp); PubMed 21441111 (cited by Labcorp Genetics (formerly Invitae), Labcorp); PubMed 26846950 (cited by Labcorp Genetics (formerly Invitae), Labcorp); PubMed 27106955 (cited by Labcorp Genetics (formerly Invitae), Labcorp).